The following is an entry in ClinVar:

NM_000070.3(CAPN3):c.1191C>G (p.Phe397Leu)

Gene: CAPN3 (calpain 3; plus strand). Cytogenetic location: 15q15.1.
Variant type: single nucleotide variant.
Coding change: c.1191C>G on transcript NM_000070.3 (MANE Select); coding-DNA position 1191, C replaced by G.
Protein change: p.Phe397Leu; replaces phenylalanine 397 with leucine.
Molecular consequence: missense variant.
Genome position (GRCh38, 1-based): chr15:42,396,875, C>G. VCF-style: chr15-42396875-C-G. GRCh37 (hg19) VCF-style: chr15-42689073-C-G.
Other names: c.1191C>G, p.Phe397Leu (NM_024344.2); c.1047C>G, p.Phe349Leu (NM_173087.2); c.930C>G, p.Phe310Leu (NM_212464.2); c.*884C>G (NM_212467.2); short protein forms F310L, F349L, F397L.
Identifiers: ClinVar variation 2581714 (VCV002581714.1), dbSNP rs2548270224, ClinGen allele CA391999285.
Genomic context (GRCh38, chr15:42,396,875, plus strand): 5'-CTTTGTGGACAAAGATGAGAAGGCCCGTCTGCAGCACCAGGTCACTGAGGATGGAGAGTT[C>G]TGGTGAGTCCAGAACCCAGGAAGACCCAGAAGGGTAAGGGTGGGGAAGAGAGGGGAAATC-3'
Protein context (NP_000061.1, residues 387-407): LQHQVTEDGE[Phe397Leu]WMSYEDFIYH

ClinVar aggregate classification (germline): Uncertain significance (1 of 4 stars; one submission).

Submission:

Women's Health and Genetics/Laboratory Corporation of America, LabCorp
Classification: Uncertain significance. Last evaluated: 2023-08-16. Review status: criteria provided, single submitter. Criteria: LabCorp Variant Classification Summary - May 2015. Collection method: clinical testing. Allele origin: germline.
Comment: Variant summary: CAPN3 c.1191C>G (p.Phe397Leu) results in a non-conservative amino acid change located in the Peptidase C2, calpain, catalytic domain (IPR00130) of the encoded protein sequence. Four of five in-silico tools predict a damaging effect of the variant on protein function. 4/4 computational tools predict no significant impact on normal splicing. However, these predictions have yet to be confirmed by functional studies. The variant was absent in 251388 control chromosomes (gnomAD). The available data on variant occurrences in the general population are insufficient to allow any conclusion about variant significance. c.1191C>G has been reported in the literature in at-least one individual affected with Limb-Girdle Muscular Dystrophy, Autosomal Recessive (example: Senz_C2005). This report does not provide unequivocal conclusions about association of the variant with Limb-Girdle Muscular Dystrophy, Autosomal Recessive. To our knowledge, no experimental evidence demonstrating an impact on protein function has been reported. The following publication has been ascertained in the context of this evaluation (PMID: 15689361). No submitters have cited clinical-significance assessments for this variant to ClinVar after 2014. Based on the evidence outlined above, the variant was classified as uncertain significance.

Literature cited by the submitters: PubMed 15689361.